The following is an entry in ClinVar:

NM_001127649.3(PEX26):c.442C>A (p.Pro148Thr)

Gene: PEX26 (peroxisomal biogenesis factor 26; plus strand). Cytogenetic location: 22q11.21.
Variant type: single nucleotide variant.
Coding change: c.442C>A on transcript NM_001127649.3 (MANE Select); coding-DNA position 442, C replaced by A.
Protein change: p.Pro148Thr; replaces proline 148 with threonine.
Molecular consequence: missense variant.
Genome position (GRCh38, 1-based): chr22:18,083,507, C>A. VCF-style: chr22-18083507-C-A. GRCh37 (hg19) VCF-style: chr22-18566273-C-A.
Other names: c.442C>A, p.Pro148Thr (NM_001199319.2, NM_017929.6); short protein forms P148T.
Identifiers: ClinVar variation 2632444 (VCV002632444.1), dbSNP rs1926705338, ClinGen allele CA410267452.

ClinVar aggregate classification (germline): Uncertain significance (1 of 4 stars; one submission).

Conditions:
PEX26-related disorder. Also called: PEX26-related condition.

Submission:

PreventionGenetics, part of Exact Sciences
Classification: Uncertain significance for PEX26-related condition. Last evaluated: 2023-06-02. Review status: criteria provided, single submitter. Criteria: ACMG Guidelines, 2015. Collection method: clinical testing. Allele origin: germline.
Comment: The PEX26 c.442C>A variant is predicted to result in the amino acid substitution p.Pro148Thr. To our knowledge, this variant has not been reported in the literature or in a large population database, indicating this variant is rare. At this time, the clinical significance of this variant is uncertain due to the absence of conclusive functional and genetic evidence.